The following is an entry in ClinVar:

ClinVar aggregate classification (germline): Benign. Review status: criteria provided, multiple submitters, no conflicts (2 of 4 stars). 12 submissions from 12 submitters: Benign (10). 2 of the submissions do not count toward it. Last evaluated 2026-02-04.

Conditions:
Disorders of Intracellular Cobalamin Metabolism. Identifiers: MedGen CN043592.
Cobalamin C disease. Also called: Methylmalonic aciduria with homocystinuria cblC type; Cobalamin-C methylmalonic acidemia and homocystinuria; Methylmalonic acidemia and homocystinuria cblC type; Methylmalonic aciduria and homocystinuria, Vitamin B12-responsive; Vitamin B12 metabolic defect with combined deficiency of methylmalonyl-CoA mutase and homocysteine:methyltetrahydrofolate methyltransferase; methylmalonic aciduria and homocystinuria type cblC. Identifiers: Orphanet 26, Orphanet 79282, MedGen C1848561, MONDO:0010184, OMIM 277400.

Allele frequency attached by ClinVar (database versions not stated): gnomAD exomes 0.00637; ExAC 0.00765; 1000 Genomes Project 0.02536; gnomAD 0.02622 and 0.02835; ESP Exome Variant Server 0.02774; 1000 Genomes Project 30x 0.02811; TOPMed 0.02919.
gnomAD v4.1: 7,734 of 1,614,128 alleles (0.48%); highest among the groups gnomAD compares: African/African-American, 9.2%; 336 homozygotes.

Submissions (12):

Labcorp Genetics (formerly Invitae), Labcorp
Classification: Benign for Cobalamin C disease. Last evaluated: 2026-02-04. Review status: criteria provided, single submitter. Criteria: Invitae Variant Classification Sherloc (09022015). Collection method: clinical testing. Allele origin: germline.

ARUP Laboratories, Molecular Genetics and Genomics, ARUP Laboratories
Classification: Benign for Cobalamin C disease. Last evaluated: 2023-11-08. Review status: criteria provided, single submitter. Criteria: ARUP Molecular Germline Variant Investigation Process 2024. Collection method: clinical testing. Allele origin: germline.

Genome-Nilou Lab
Classification: Benign for Cobalamin C disease. Last evaluated: 2023-04-11. Review status: criteria provided, single submitter. Criteria: ACMG Guidelines, 2015. Collection method: clinical testing. Allele origin: germline. Affected: no.

Mayo Clinic Laboratories, Mayo Clinic
Classification: Benign. Last evaluated: 2022-03-10. Review status: criteria provided, single submitter. Criteria: ACMG Guidelines, 2015. Collection method: clinical testing. Allele origin: germline. Observed: 106 variant alleles.

Illumina Laboratory Services, Illumina
Classification: Benign for Disorders of Intracellular Cobalamin Metabolism. Last evaluated: 2018-01-13. Review status: criteria provided, single submitter. Criteria: ICSL Variant Classification Criteria 13 December 2019. Collection method: clinical testing. Allele origin: germline.
Comment: This variant was observed in the ICSL laboratory as part of a predisposition screen in an ostensibly healthy population. It had not been previously curated by ICSL or reported in the Human Gene Mutation Database (HGMD: prior to June 1st, 2018), and was therefore a candidate for classification through an automated scoring system. Utilizing variant allele frequency, disease prevalence and penetrance estimates, and inheritance mode, an automated score was calculated to assess if this variant is too frequent to cause the disease. Based on the score and internal cut-off values, a variant classified as benign is not then subjected to further curation. The score for this variant resulted in a classification of benign for this disease.

Women's Health and Genetics/Laboratory Corporation of America, LabCorp
Classification: Benign. Last evaluated: 2017-12-07. Review status: criteria provided, single submitter. Criteria: LabCorp Variant Classification Summary - May 2015. Collection method: clinical testing. Allele origin: germline.
Comment: Variant summary: The MMACHC c.178G>C (p.Asp60His) variant involves the alteration of a conserved nucleotide. 3/3 in silico tools predict a damaging outcome for this variant (SNPsandGO and MutationTaster not captured due to low reliability index). This variant was found in 2372/277122 control chromosomes, predominantly observed in the African subpopulation at a frequency of 0.091049 (2185/23998, including 96 homozygotes). This frequency is about 30 times the estimated maximal expected allele frequency of a pathogenic MMACHC variant (0.0030542), suggesting this is likely a benign polymorphism found primarily in the populations of African origin. In addition, multiple clinical diagnostic laboratories/reputable databases classified this variant as benign. The variant of interest has not, to our knowledge, been reported in affected individuals via publications nor evaluated for functional impact by in vivo/vitro studies. Taken together, this variant is classified as benign.

PreventionGenetics, part of Exact Sciences
Classification: Benign. Last evaluated: 2016-04-15. Review status: criteria provided, single submitter. Criteria: ACMG Guidelines, 2015. Collection method: clinical testing. Allele origin: germline.

Center for Pediatric Genomic Medicine, Children's Mercy Hospital and Clinics
Classification: Benign. Last evaluated: 2015-06-04. Review status: criteria provided, single submitter. Criteria: ACMG Guidelines, 2015. Collection method: clinical testing. Allele origin: germline.

GeneDx
Classification: Benign. Last evaluated: 2013-08-06. Review status: criteria provided, single submitter. Criteria: GeneDx Variant Classification (06012015). Collection method: clinical testing. Allele origin: germline. Affected: yes.
Comment: This variant is considered likely benign or benign based on one or more of the following criteria: it is a conservative change, it occurs at a poorly conserved position in the protein, it is predicted to be benign by multiple in silico algorithms, and/or has population frequency not consistent with disease.

Breakthrough Genomics
Classification: Benign. Review status: criteria provided, single submitter. Criteria: ACMG Guidelines, 2015. Collection method: not provided. Allele origin: germline. Inheritance: Autosomal recessive inheritance. Affected: yes.

Clinical Genetics, Academic Medical Center
Classification: Benign. Review status: no assertion criteria provided. Collection method: clinical testing. Allele origin: germline. Affected: yes. Study: VKGL Data-share Consensus. Not counted in ClinVar's aggregate classification.

Laboratory of Diagnostic Genome Analysis, Leiden University Medical Center (LUMC)
Classification: Benign. Review status: no assertion criteria provided. Collection method: clinical testing. Allele origin: germline. Affected: yes. Study: VKGL Data-share Consensus. Not counted in ClinVar's aggregate classification.

NM_015506.3(MMACHC):c.178G>C (p.Asp60His)

Gene: MMACHC (metabolism of cobalamin associated C; plus strand). Cytogenetic location: 1p34.1.
Variant type: single nucleotide variant.
Coding change: c.178G>C on transcript NM_015506.3 (MANE Select); coding-DNA position 178, G replaced by C.
Protein change: p.Asp60His; replaces aspartic acid 60 with histidine.
Molecular consequence: missense variant.
Genome position (GRCh38, 1-based): chr1:45,507,452, G>C. VCF-style: chr1-45507452-G-C. GRCh37 (hg19) VCF-style: chr1-45973124-G-C.
Other names: p.D60H:GAC>CAC; p.Asp60His; c.7G>C, p.Asp3His (NM_001330540.2); short protein forms D60H, D3H.
Identifiers: ClinVar variation 138238 (VCV000138238.29), dbSNP rs6662272, ClinGen allele CA292117.
Genomic context (GRCh38, chr1:45,507,452, plus strand): 5'-CACCTACCGCTGCCAGGACCTACCCTGGCCTTCCTGGTACTCAGCACGCCTGCCATGTTT[G>C]ACCGGGCCCTCAAGCCCTTCTTGCAGAGCTGCCACCTCCGAATGCTGACTGACCCAGTGG-3'
Protein context (NP_056321.2, residues 50-70): FLVLSTPAMF[Asp60His]RALKPFLQSC